The following is an entry in ClinVar:

ClinVar aggregate classification (germline): Uncertain significance (1 of 4 stars; one submission).

Allele frequency attached by ClinVar (database versions not stated): TOPMed below 0.00001; gnomAD exomes 0.00001.
gnomAD v4.1: 3 of 1,614,208 alleles (0.00019%); highest among the groups gnomAD compares: Admixed American, 0.005%; no homozygotes.

Submission:

Labcorp Genetics (formerly Invitae), Labcorp
Classification: Uncertain significance. Last evaluated: 2022-01-02. Review status: criteria provided, single submitter. Criteria: Invitae Variant Classification Sherloc (09022015). Collection method: clinical testing. Allele origin: germline.
Comment: This sequence change replaces glutamine, which is neutral and polar, with arginine, which is basic and polar, at codon 1665 of the NBAS protein (p.Gln1665Arg). This variant is present in population databases (no rsID available, gnomAD 0.009%). This variant has not been reported in the literature in individuals affected with NBAS-related conditions. Algorithms developed to predict the effect of missense changes on protein structure and function are either unavailable or do not agree on the potential impact of this missense change (SIFT: "Deleterious"; PolyPhen-2: "Benign"; Align-GVGD: "Class C35"). In summary, the available evidence is currently insufficient to determine the role of this variant in disease. Therefore, it has been classified as a Variant of Uncertain Significance.

NM_015909.4(NBAS):c.4994A>G (p.Gln1665Arg)

Gene: NBAS (NBAS subunit of NRZ tethering complex; minus strand). Cytogenetic location: 2p24.3.
Variant type: single nucleotide variant.
Coding change: c.4994A>G on transcript NM_015909.4 (MANE Select); coding-DNA position 4994, A replaced by G.
Protein change: p.Gln1665Arg; replaces glutamine 1665 with arginine.
Molecular consequence: missense variant. On other transcripts: non-coding transcript variant (1).
Genome position (GRCh38, 1-based): chr2:15,292,570, T>C on the plus strand (A>G on the coding strand, the complement: NBAS is on the minus strand). VCF-style: chr2-15292570-T-C. GRCh37 (hg19) VCF-style: chr2-15432694-T-C.
Other names: short protein forms Q1665R.
Identifiers: ClinVar variation 1474942 (VCV001474942.3), dbSNP rs1008012930, ClinGen allele CA42612764.